The following is an entry in ClinVar:

ClinVar aggregate classification (germline): Uncertain significance (1 of 4 stars; one submission).

Conditions:
Charcot-Marie-Tooth disease type 2. Also called: Charcot-Marie-Tooth type 2. Identifiers: Orphanet 64746, MedGen C0270914, MONDO:0018993.

Allele frequency attached by ClinVar (database versions not stated): gnomAD exomes below 0.00001; TOPMed 0.00001; gnomAD 0.00003.
gnomAD v4.1: 7 of 1,614,068 alleles (0.00043%); highest among the groups gnomAD compares: Middle Eastern, 0.016%; no homozygotes.

Submission:

Labcorp Genetics (formerly Invitae), Labcorp
Classification: Uncertain significance for Charcot-Marie-Tooth disease type 2. Last evaluated: 2023-03-20. Review status: criteria provided, single submitter. Criteria: Invitae Variant Classification Sherloc (09022015). Collection method: clinical testing. Allele origin: germline.
Comment: This variant is present in population databases (no rsID available, gnomAD 0.01%). This sequence change replaces alanine, which is neutral and non-polar, with valine, which is neutral and non-polar, at codon 244 of the LMNA protein (p.Ala244Val). This missense change has been observed in individual(s) with left ventricular noncompaction (PMID: 28855170). ClinVar contains an entry for this variant (Variation ID: 579803). Advanced modeling of protein sequence and biophysical properties (such as structural, functional, and spatial information, amino acid conservation, physicochemical variation, residue mobility, and thermodynamic stability) performed at Invitae indicates that this missense variant is expected to disrupt LMNA protein function. In summary, the available evidence is currently insufficient to determine the role of this variant in disease. Therefore, it has been classified as a Variant of Uncertain Significance.

Literature cited by the submitters: PubMed 28855170.

NM_170707.4(LMNA):c.731C>T (p.Ala244Val)

Gene: LMNA (lamin A/C; plus strand). Cytogenetic location: 1q22.
Variant type: single nucleotide variant.
Coding change: c.731C>T on transcript NM_170707.4 (MANE Select); coding-DNA position 731, C replaced by T.
Protein change: p.Ala244Val; replaces alanine 244 with valine.
Molecular consequence: missense variant.
Genome position (GRCh38, 1-based): chr1:156,134,896, C>T. VCF-style: chr1-156134896-C-T. GRCh37 (hg19) VCF-style: chr1-156104687-C-T.
Other names: c.395C>T, p.Ala132Val (NM_001257374.3); c.488C>T, p.Ala163Val (NM_001282624.2); c.731C>T, p.Ala244Val (NM_001282625.2, NM_001282626.2, NM_005572.4 and 1 more transcripts); short protein forms A244V, A132V, A163V.
Identifiers: ClinVar variation 579803 (VCV000579803.8), dbSNP rs1183097458, ClinGen allele CA342817289.